The following is an entry in ClinVar:

NM_020975.6(RET):c.1858T>A (p.Cys620Ser)

Gene: RET (ret proto-oncogene; plus strand). Cytogenetic location: 10q11.21.
Variant type: single nucleotide variant.
Coding change: c.1858T>A on transcript NM_020975.6 (MANE Select); coding-DNA position 1858, T replaced by A.
Protein change: p.Cys620Ser; replaces cysteine 620 with serine.
Molecular consequence: missense variant.
Genome position (GRCh38, 1-based): chr10:43,113,654, T>A. VCF-style: chr10-43113654-T-A. GRCh37 (hg19) VCF-style: chr10-43609102-T-A.
Other names: c.1858T>A, p.Cys620Ser (NM_000323.2, NM_001406743.1, NM_001406744.1 and 6 more transcripts); c.1096T>A, p.Cys366Ser (NM_001355216.2); c.1729T>A, p.Cys577Ser (NM_001406761.1, NM_001406762.1, NM_001406764.1 and 1 more transcripts); c.1570T>A, p.Cys524Ser (NM_001406766.1, NM_001406767.1, NM_001406770.1); c.1462T>A, p.Cys488Ser (NM_001406769.1, NM_001406772.1); c.1420T>A, p.Cys474Ser (NM_001406771.1, NM_001406773.1); c.832T>A, p.Cys278Ser (NM_001406783.1, NM_001406786.1); c.868T>A, p.Cys290Ser (NM_001406784.1); and 5 more; short protein forms C620S, C366S, C290S, C474S, C488S, C524S, C137S, C278S.
Identifiers: ClinVar variation 38602 (VCV000038602.16), dbSNP rs77316810, ClinGen allele CA008047.

ClinVar aggregate classification (germline): Pathogenic/Likely pathogenic. Review status: criteria provided, multiple submitters, no conflicts (2 of 4 stars). 4 submissions from 4 submitters: Pathogenic (2); Likely pathogenic (2). Last evaluated 2026-08-10.

Conditions:
Hereditary cancer-predisposing syndrome. Also called: Tumor predisposition; Hereditary Cancer Syndrome; Hereditary neoplastic syndrome; Neoplastic Syndromes, Hereditary. Identifiers: Orphanet 140162, MedGen C0027672, MeSH D009386, MONDO:0015356.
Multiple endocrine neoplasia, type 2 (MEN2). Identifiers: Orphanet 653, MedGen C4048306, MONDO:0019003. Disease mechanism: gain of function.

Submissions (4):

Ambry Genetics
Classification: Pathogenic for Hereditary cancer-predisposing syndrome. Last evaluated: 2026-08-10. Review status: criteria provided, single submitter. Criteria: Ambry Variant Classification Scheme 2023. Collection method: clinical testing. Allele origin: germline.
Comment: The p.C620S pathogenic mutation (also known as c.1858T>A), located in coding exon 10 of the RET gene, results from a T to A substitution at nucleotide position 1858. The cysteine at codon 620 is replaced by serine, an amino acid with dissimilar properties. This variant was reported in individuals with features consistent with multiple endocrine neoplasia type 2 (Iacobone M et al. Surgery. 2011 Dec;150:1194-201; Ambry internal data). Mutations at this codon have been categorized by the American Thyroid Association as having moderate risk for MTC and are associated with a pheochromocytoma incidence rate of 13%&ndash;24% (Wells SA et al. Thyroid. 2015 Jun;25:567-610). Other variants at the same codon have been identified in individuals with features consistent with multiple endocrine neoplasia type 2 (Ambry internal data). This amino acid position is highly conserved in available vertebrate species. In addition, this alteration is predicted to be deleterious by in silico analysis. Based on the supporting evidence, this variant is interpreted as a disease-causing mutation.

Labcorp Genetics (formerly Invitae), Labcorp
Classification: Pathogenic for Multiple endocrine neoplasia, type 2. Last evaluated: 2025-04-11. Review status: criteria provided, single submitter. Criteria: Invitae Variant Classification Sherloc (09022015). Collection method: clinical testing. Allele origin: germline.
Comment: This sequence change replaces cysteine, which is neutral and slightly polar, with serine, which is neutral and polar, at codon 620 of the RET protein (p.Cys620Ser). This variant is not present in population databases (gnomAD no frequency). This missense change has been observed in individuals with multiple endocrine neoplasia type 2 and/or Hirschsprung disease (PMID: 10777380, 11471675, 14517954). It has also been observed to segregate with disease in related individuals. ClinVar contains an entry for this variant (Variation ID: 38602). An algorithm developed to predict the effect of missense changes on protein structure and function (PolyPhen-2) suggests that this variant is likely to be disruptive. Experimental studies have shown that this missense change affects RET function (PMID: 9230192). This variant disrupts the p.Cys620 amino acid residue in RET. Other variant(s) that disrupt this residue have been determined to be pathogenic (PMID: 7874109, 8909322, 16705552, 20979234, 21765987). This suggests that this residue is clinically significant, and that variants that disrupt this residue are likely to be disease-causing. For these reasons, this variant has been classified as Pathogenic.

Color Diagnostics, LLC DBA Color Health
Classification: Likely pathogenic for Multiple endocrine neoplasia, type 2. Last evaluated: 2023-10-31. Review status: criteria provided, single submitter. Criteria: ACMG Guidelines, 2015. Collection method: clinical testing. Allele origin: germline.
Comment: This missense variant replaces cysteine with serine at codon 620 of the RET protein. Computational prediction suggests that this variant may have deleterious impact on protein structure and function (internally defined REVEL score threshold >= 0.7, PMID: 27666373). To our knowledge, functional studies have not been reported for this variant. This variant has been reported in individuals affected with MEN2/familial medullary thyroid carcinoma (PMID: 7849720, 11238493) or suspected MEN2A case (PMID: 14718397). Another variant with the same protein change is known to be disease-causing (c.1859G>C, p.Cys620Ser; ClinVar Variation ID: 13943). Mutations at this codon have been categorized by the American Thyroid Association as having moderate risk for MTC and is associated with a pheochromocytoma incidence rate of 13%-24% (PMID: 25810047). This variant has not been identified in the general population by the Genome Aggregation Database (gnomAD). Based on the available evidence, this variant is classified as Likely Pathogenic.

All of Us Research Program, National Institutes of Health
Classification: Likely pathogenic for Multiple endocrine neoplasia, type 2. Last evaluated: 2023-08-15. Review status: criteria provided, single submitter. Criteria: ACMG Guidelines, 2015. Collection method: clinical testing. Allele origin: germline. Inheritance: Autosomal dominant inheritance. Observed: 1 variant allele, 1 heterozygote.
Comment: This missense variant replaces cysteine with serine at codon 620 of the RET protein. Computational prediction suggests that this variant may have deleterious impact on protein structure and function (internally defined REVEL score threshold >= 0.7, PMID: 27666373). To our knowledge, functional studies have not been reported for this variant. This variant has been reported in individuals affected with MEN2/familial medullary thyroid carcinoma (PMID: 7849720, 11238493) or suspected MEN2A case (PMID: 14718397). Another variant with the same protein change is known to be disease-causing (c.1859G>C, p.Cys620Ser; ClinVar Variation ID: 13943). Mutations at this codon have been categorized by the American Thyroid Association as having moderate risk for MTC and is associated with a pheochromocytoma incidence rate of 13%-24% (PMID: 25810047). This variant has not been identified in the general population by the Genome Aggregation Database (gnomAD). Based on the available evidence, this variant is classified as Likely Pathogenic.

This study involves interpretation of variants in research participants for the purpose of population health screening. Participant phenotype was not available at the time of variant classification. Additional details can be found in publication PMID: 35346344, PMCID: PMC8962531

Literature cited by the submitters: PubMed 22136840 (cited by Ambry Genetics); PubMed 25810047 (cited by 3 submitters); PubMed 7849720 (cited by 3 submitters); PubMed 10777380 (cited by Labcorp Genetics (formerly Invitae), Labcorp); PubMed 11471675 (cited by Labcorp Genetics (formerly Invitae), Labcorp); PubMed 14517954 (cited by Labcorp Genetics (formerly Invitae), Labcorp); PubMed 9230192 (cited by Labcorp Genetics (formerly Invitae), Labcorp); PubMed 7874109 (cited by Labcorp Genetics (formerly Invitae), Labcorp); PubMed 8909322 (cited by Labcorp Genetics (formerly Invitae), Labcorp); PubMed 16705552 (cited by Labcorp Genetics (formerly Invitae), Labcorp); PubMed 20979234 (cited by Labcorp Genetics (formerly Invitae), Labcorp); PubMed 21765987 (cited by Labcorp Genetics (formerly Invitae), Labcorp); PubMed 11238493 (cited by Color Diagnostics, LLC DBA Color Health and All of Us Research Program, National Institutes of Health); PubMed 14718397 (cited by Color Diagnostics, LLC DBA Color Health and All of Us Research Program, National Institutes of Health).